The following is an entry in ClinVar:

NM_005876.5(SPEG):c.2572C>T (p.Arg858Cys)

Gene: SPEG (striated muscle enriched protein kinase; plus strand). Cytogenetic location: 2q35.
Variant type: single nucleotide variant.
Coding change: c.2572C>T on transcript NM_005876.5 (MANE Select); coding-DNA position 2572, C replaced by T.
Protein change: p.Arg858Cys; replaces arginine 858 with cysteine.
Molecular consequence: missense variant.
Genome position (GRCh38, 1-based): chr2:219,462,013, C>T. VCF-style: chr2-219462013-C-T. GRCh37 (hg19) VCF-style: chr2-220326735-C-T.
Other names: c.25C>T, p.Arg9Cys (NM_001173476.2); short protein forms R858C, R9C.
Identifiers: ClinVar variation 723823 (VCV000723823.14), dbSNP rs199582765, ClinGen allele CA2125880.

ClinVar aggregate classification (germline): Conflicting classifications of pathogenicity. Review status: criteria provided, conflicting classifications (1 of 4 stars). 6 submissions from 6 submitters: Uncertain significance (1); Likely benign (5). Last evaluated 2025-12-19.

Conditions:
Inborn genetic diseases. Identifiers: MedGen C0950123, MeSH D030342.
Myopathy, centronuclear, 5 (CNM5). Identifiers: Orphanet 169186, MedGen C4014814, MONDO:0014418, OMIM 615959.

Allele frequency attached by ClinVar (database versions not stated): gnomAD 0.00124; TOPMed 0.00154; ESP Exome Variant Server 0.00183; 1000 Genomes Project 30x 0.00203; 1000 Genomes Project 0.00220.
gnomAD v4.1: 481 of 1,612,726 alleles (0.03%); highest among the groups gnomAD compares: African/African-American, 0.51%; 3 homozygotes.

Submissions (6):

Labcorp Genetics (formerly Invitae), Labcorp
Classification: Likely benign. Last evaluated: 2025-12-19. Review status: criteria provided, single submitter. Criteria: Invitae Variant Classification Sherloc (09022015). Collection method: clinical testing. Allele origin: germline.

Women's Health and Genetics/Laboratory Corporation of America, LabCorp
Classification: Likely benign. Last evaluated: 2025-09-03. Review status: criteria provided, single submitter. Criteria: LabCorp Variant Classification Summary - May 2015. Collection method: clinical testing. Allele origin: germline.
Comment: Variant summary: SPEG c.2572C>T (p.Arg858Cys) results in a non-conservative amino acid change in the encoded protein sequence. Algorithms developed to predict the effect of missense changes on protein structure and function are either unavailable or do not agree on the potential impact of this missense change. The variant allele was found at a frequency of 0.0003 in 1605788 control chromosomes, predominantly at a frequency of 0.0051 within the African or African-American subpopulation in the gnomAD database, including 2 homozygotes. The observed variant frequency within African or African-American control individuals in the gnomAD database exceeds the estimated maximal expected allele frequency for disease-causing variants in SPEG. To our knowledge, no occurrence of c.2572C>T in individuals affected with SPEG-related conditions and no experimental evidence demonstrating its impact on protein function have been reported. ClinVar contains an entry for this variant (Variation ID: 723823). Based on the evidence outlined above, the variant was classified as likely benign.

Ambry Genetics
Classification: Uncertain significance for Inborn genetic diseases. Last evaluated: 2025-08-31. Review status: criteria provided, single submitter. Criteria: Ambry Variant Classification Scheme 2023. Collection method: clinical testing. Allele origin: germline.

Blueprint Genetics
Classification: Likely benign. Last evaluated: 2024-07-24. Review status: criteria provided, single submitter. Criteria: ACMG Guidelines, 2015. Collection method: clinical testing. Allele origin: germline.

Revvity Omics, Revvity
Classification: Likely benign for Myopathy, centronuclear, 5. Last evaluated: 2023-11-22. Review status: criteria provided, single submitter. Criteria: ACMG Guidelines, 2015. Collection method: clinical testing. Allele origin: germline.

Breakthrough Genomics
Classification: Likely benign. Review status: criteria provided, single submitter. Criteria: ACMG Guidelines, 2015. Collection method: not provided. Allele origin: germline. Inheritance: Autosomal recessive inheritance. Affected: yes.